The following is an entry in ClinVar:

ClinVar aggregate classification (germline): Benign/Likely benign. Review status: criteria provided, multiple submitters, no conflicts (2 of 4 stars). 4 submissions from 4 submitters: Benign (2); Likely benign (2). Last evaluated 2026-06-01.

Allele frequency attached by ClinVar (database versions not stated): gnomAD exomes 0.00007 and 0.00023; ExAC 0.00028; ESP Exome Variant Server 0.00046; gnomAD 0.00069 and 0.00074; TOPMed 0.00073; 1000 Genomes Project 30x 0.00078; 1000 Genomes Project 0.00100.
gnomAD v4.1: 233 of 1,614,130 alleles (0.014%); highest among the groups gnomAD compares: African/African-American, 0.21%; 1 homozygote.

Submissions (4):

CeGaT Center for Human Genetics Tuebingen
Classification: Likely benign. Last evaluated: 2026-06-01. Review status: criteria provided, single submitter. Criteria: CeGaT Center For Human Genetics Tuebingen Variant Classification Criteria Version 2. Collection method: clinical testing. Allele origin: germline. Affected: yes. Observed: 1 variant allele.
Comment: POC1A: BP4, BP7

Labcorp Genetics (formerly Invitae), Labcorp
Classification: Benign. Last evaluated: 2026-01-31. Review status: criteria provided, single submitter. Criteria: Invitae Variant Classification Sherloc (09022015). Collection method: clinical testing. Allele origin: germline.

Blueprint Genetics
Classification: Likely benign. Last evaluated: 2024-11-01. Review status: criteria provided, single submitter. Criteria: ACMG Guidelines, 2015. Collection method: clinical testing. Allele origin: germline.

Breakthrough Genomics
Classification: Benign. Review status: criteria provided, single submitter. Criteria: ACMG Guidelines, 2015. Collection method: not provided. Allele origin: germline. Inheritance: Autosomal recessive inheritance. Affected: yes.

NM_015426.5(POC1A):c.354C>T (p.Phe118=)

Gene: POC1A (POC1 centriolar protein A; minus strand). Cytogenetic location: 3p21.2.
Variant type: single nucleotide variant.
Coding change: c.354C>T on transcript NM_015426.5 (MANE Select); coding-DNA position 354, C replaced by T.
Protein change: p.Phe118=; no amino-acid change (phenylalanine 118 retained).
Molecular consequence: synonymous variant.
Genome position (GRCh38, 1-based): chr3:52,149,311, G>A on the plus strand (C>T on the coding strand, the complement: POC1A is on the minus strand). VCF-style: chr3-52149311-G-A. GRCh37 (hg19) VCF-style: chr3-52183327-G-A.
Other names: c.354C>T, p.Phe118= (NM_001161580.2); c.240C>T, p.Phe80= (NM_001161581.2).
Identifiers: ClinVar variation 750773 (VCV000750773.12), dbSNP rs150866318, ClinGen allele CA2429659.
Genomic context (GRCh38, chr3:52,149,311, plus strand): 5'-CAGGAATTTCTGGCGATGAGTTGCCCACACTTTGACTGTCTTGTCGTCAGAGGCTGTCAC[G>A]AAGGACTGGCCATCACTGCAGAAGTGGACACTCCTCACTGTGGCTGTGTGTGCACGAAAC-3'
Protein context (NP_056241.3, residues 108-128): SVHFCSDGQS[Phe118=]VTASDDKTVK